The following is an entry in ClinVar:

ClinVar aggregate classification (germline): Likely pathogenic (1 of 4 stars; one submission).

Conditions:
Microcephaly 1, primary, autosomal recessive (MCPH1). Also called: PREMATURE CHROMOSOME CONDENSATION SYNDROME; PCC SYNDROME; PREMATURE CHROMOSOME CONDENSATION WITH MICROCEPHALY AND MENTAL RETARDATION. Identifiers: Orphanet 2512, MedGen C1855081, MONDO:0009617, OMIM 251200.

Submission:

Juno Genomics, Hangzhou Juno Genomics, Inc
Classification: Likely pathogenic for Microcephaly 1, primary, autosomal recessive. Review status: criteria provided, single submitter. Criteria: ACMG Guidelines, 2015. Collection method: clinical testing. Allele origin: germline.
Comment: Null variant in a gene where loss of function (LOF) is a known mechanism of disease.;Absent from controls (or at extremely low frequency if recessive) in Genome Aggregation Database.

NM_024596.5(MCPH1):c.1225G>T (p.Glu409Ter)

Gene: MCPH1 (microcephalin 1; plus strand). Cytogenetic location: 8p23.1.
Variant type: single nucleotide variant.
Coding change: c.1225G>T on transcript NM_024596.5 (MANE Select); coding-DNA position 1225, G replaced by T.
Protein change: p.Glu409Ter; replaces glutamic acid 409 with a stop codon.
Molecular consequence: nonsense. On other transcripts: non-coding transcript variant (1).
Genome position (GRCh38, 1-based): chr8:6,444,947, G>T. VCF-style: chr8-6444947-G-T. GRCh37 (hg19) VCF-style: chr8-6302468-G-T.
Other names: c.1225G>T, p.Glu409Ter (NM_001363980.2, NM_001410916.1, NM_001410917.1 and 3 more transcripts); c.1081G>T, p.Glu361Ter (NM_001172575.2); c.1219G>T, p.Glu407Ter (NM_001322043.2); c.1123G>T, p.Glu375Ter (NM_001322045.2); short protein forms E361*, E407*, E409*, E375*.
Identifiers: ClinVar variation 5007327 (VCV005007327.2).